The following is an entry in ClinVar:

ClinVar aggregate classification (germline): Uncertain significance (1 of 4 stars; one submission).

Allele frequency attached by ClinVar (database versions not stated): gnomAD exomes 0.00002; gnomAD 0.00001; ExAC 0.00002.
gnomAD v4.1: 7 of 1,614,102 alleles (0.00043%); highest among the groups gnomAD compares: Admixed American, 0.01%; no homozygotes.

Submission:

Labcorp Genetics (formerly Invitae), Labcorp
Classification: Uncertain significance. Last evaluated: 2022-05-21. Review status: criteria provided, single submitter. Criteria: Invitae Variant Classification Sherloc (09022015). Collection method: clinical testing. Allele origin: germline.
Comment: This sequence change replaces arginine, which is basic and polar, with lysine, which is basic and polar, at codon 48 of the FOXRED1 protein (p.Arg48Lys). This variant is present in population databases (rs760417338, gnomAD 0.01%). This variant has not been reported in the literature in individuals affected with FOXRED1-related conditions. Advanced modeling of protein sequence and biophysical properties (such as structural, functional, and spatial information, amino acid conservation, physicochemical variation, residue mobility, and thermodynamic stability) performed at Invitae indicates that this missense variant is not expected to disrupt FOXRED1 protein function. In summary, the available evidence is currently insufficient to determine the role of this variant in disease. Therefore, it has been classified as a Variant of Uncertain Significance.

NM_017547.4(FOXRED1):c.143G>A (p.Arg48Lys)

Gene: FOXRED1 (FAD dependent oxidoreductase domain containing 1; plus strand). Cytogenetic location: 11q24.2.
Variant type: single nucleotide variant.
Coding change: c.143G>A on transcript NM_017547.4 (MANE Select); coding-DNA position 143, G replaced by A.
Protein change: p.Arg48Lys; replaces arginine 48 with lysine.
Molecular consequence: missense variant. On other transcripts: non-coding transcript variant (1).
Genome position (GRCh38, 1-based): chr11:126,271,494, G>A. VCF-style: chr11-126271494-G-A. GRCh37 (hg19) VCF-style: chr11-126141389-G-A.
Other names: short protein forms R48K.
Identifiers: ClinVar variation 1417529 (VCV001417529.3), dbSNP rs760417338, ClinGen allele CA6353987.
Genomic context (GRCh38, chr11:126,271,494, plus strand): 5'-CAGACTGGGATGGAAAGGTGTCTGAGATTAAGAAGAAGATCAAGTCGATCCTGCCTGGAA[G>A]GTCCTGTGATCTACTGCAAGACACCAGCCACCTGCCTCCCGAGCACTCGGATGTGGTGAT-3'
Protein context (NP_060017.1, residues 38-58): KKKIKSILPG[Arg48Lys]SCDLLQDTSH